The following is an entry in ClinVar:

NM_001384140.1(PCDH15):c.1305+2T>A

Gene: PCDH15 (protocadherin related 15; minus strand). Cytogenetic location: 10q21.1.
Variant type: single nucleotide variant.
Coding change: c.1305+2T>A on transcript NM_001384140.1 (MANE Select); the canonical splice donor site of the intron after coding-DNA position 1305, T replaced by A.
Molecular consequence: splice donor variant.
Genome position (GRCh38, 1-based): chr10:54,195,681, A>T on the plus strand (T>A on the coding strand, the complement: PCDH15 is on the minus strand). VCF-style: chr10-54195681-A-T. GRCh37 (hg19) VCF-style: chr10-55955441-A-T.
Other names: c.1305+2T>A (NM_001354420.2, NM_001354429.2, NM_001142772.2 and 7 more transcripts); c.1320+2T>A (NM_001142771.2, NM_001142769.3, NM_001142763.2); c.1239+2T>A (NM_001354404.2, NM_001142773.2, NM_001142768.2); c.1194+2T>A (NM_001142767.2).
Identifiers: ClinVar variation 1515580 (VCV001515580.9), dbSNP rs2049531217, ClinGen allele CA376518474.

ClinVar aggregate classification (germline): Likely pathogenic. Review status: criteria provided, multiple submitters, no conflicts (2 of 4 stars). 2 submissions from 2 submitters: Likely pathogenic (2). Last evaluated 2021-12-14.

Conditions:
PCDH15-related disorder. Also called: PCDH15-related condition; PCDH15-related disorders.

Allele frequency attached by ClinVar (database versions not stated): gnomAD 0.00001.
gnomAD v4.1: 1 of 1,610,130 alleles (0.000062%); highest among the groups gnomAD compares: African/African-American, 0.0013%; no homozygotes.

Submissions (2):

Blueprint Genetics
Classification: Likely pathogenic for PCDH15-related disorders. Last evaluated: 2021-12-14. Review status: criteria provided, single submitter. Criteria: ACMG Guidelines, 2015. Collection method: clinical testing. Allele origin: germline. Affected: yes. Observed: 1 variant allele.

Labcorp Genetics (formerly Invitae), Labcorp
Classification: Likely pathogenic. Last evaluated: 2020-12-23. Review status: criteria provided, single submitter. Criteria: Invitae Variant Classification Sherloc (09022015). Collection method: clinical testing. Allele origin: germline.
Comment: In summary, the currently available evidence indicates that the variant is pathogenic, but additional data are needed to prove that conclusively. Therefore, this variant has been classified as Likely Pathogenic. Algorithms developed to predict the effect of sequence changes on RNA splicing suggest that this variant may disrupt the consensus splice site, but this prediction has not been confirmed by published transcriptional studies. This variant has not been reported in the literature in individuals with PCDH15-related conditions. This variant is not present in population databases (ExAC no frequency). This sequence change affects a donor splice site in intron 11 of the PCDH15 gene. It is expected to disrupt RNA splicing. Variants that disrupt the donor or acceptor splice site typically lead to a loss of protein function (PMID: 16199547), and loss-of-function variants in PCDH15 are known to be pathogenic (PMID: 11398101, 11487575, 14570705).

Literature cited by the submitters: PubMed 16199547 (cited by Labcorp Genetics (formerly Invitae), Labcorp); PubMed 11398101 (cited by Labcorp Genetics (formerly Invitae), Labcorp); PubMed 11487575 (cited by Labcorp Genetics (formerly Invitae), Labcorp); PubMed 14570705 (cited by Labcorp Genetics (formerly Invitae), Labcorp).